The following is an entry in ClinVar:

NM_000219.6(KCNE1):c.238G>A (p.Val80Ile)

Gene: KCNE1 (potassium voltage-gated channel subfamily E regulatory subunit 1; minus strand). Cytogenetic location: 21q22.12.
Variant type: single nucleotide variant.
Coding change: c.238G>A on transcript NM_000219.6 (MANE Select); coding-DNA position 238, G replaced by A.
Protein change: p.Val80Ile; replaces valine 80 with isoleucine.
Molecular consequence: missense variant.
Genome position (GRCh38, 1-based): chr21:34,449,397, C>T on the plus strand (G>A on the coding strand, the complement: KCNE1 is on the minus strand). VCF-style: chr21-34449397-C-T. GRCh37 (hg19) VCF-style: chr21-35821695-C-T.
Other names: c.238G>A, p.Val80Ile (NM_001127668.4, NM_001127669.4, NM_001127670.4 and 4 more transcripts); short protein forms V80I.
Identifiers: ClinVar variation 228762 (VCV000228762.41), dbSNP rs769368494, ClinGen allele CA10577128.

ClinVar aggregate classification (germline): Conflicting classifications of pathogenicity. Review status: criteria provided, conflicting classifications (1 of 4 stars). 7 submissions from 7 submitters: Uncertain significance (6); Likely benign (1). Last evaluated 2025-01-16.

Conditions:
Cardiovascular phenotype. Identifiers: MedGen CN230736.
Long QT syndrome 5 (LQT5). Identifiers: Orphanet 101016, Orphanet 768, MedGen C1867904, MONDO:0013372, OMIM 613695.
Jervell and Lange-Nielsen syndrome 2 (JLNS2). Identifiers: Orphanet 768, Orphanet 90647, MedGen C2676723, MONDO:0012871, OMIM 612347.
Long QT syndrome (LQTS). Identifiers: MedGen C0023976, MeSH D008133, MONDO:0002442. Disease mechanism: loss of function. Inheritance: Various modes of inheritance.

Allele frequency attached by ClinVar (database versions not stated): TOPMed 0.00009; gnomAD 0.00012 and 0.00016.

Submissions (8):

Labcorp Genetics (formerly Invitae), Labcorp
Classification: Uncertain significance for Long QT syndrome. Last evaluated: 2025-01-16. Review status: criteria provided, single submitter. Criteria: Invitae Variant Classification Sherloc (09022015). Collection method: clinical testing. Allele origin: germline.
Comment: This sequence change replaces valine, which is neutral and non-polar, with isoleucine, which is neutral and non-polar, at codon 80 of the KCNE1 protein (p.Val80Ile). This variant is present in population databases (rs769368494, gnomAD 0.03%). This missense change has been observed in individual(s) with long QT syndrome (PMID: 24667783, 39082327). ClinVar contains an entry for this variant (Variation ID: 228762). Invitae Evidence Modeling of protein sequence and biophysical properties (such as structural, functional, and spatial information, amino acid conservation, physicochemical variation, residue mobility, and thermodynamic stability) indicates that this missense variant is not expected to disrupt KCNE1 protein function with a negative predictive value of 95%. In summary, the available evidence is currently insufficient to determine the role of this variant in disease. Therefore, it has been classified as a Variant of Uncertain Significance.

Blueprint Genetics
Classification: Likely benign. Last evaluated: 2024-10-08. Review status: criteria provided, single submitter. Criteria: ACMG Guidelines, 2015. Collection method: clinical testing. Allele origin: germline.

GeneDx
Classification: Uncertain significance. Last evaluated: 2024-06-08. Review status: criteria provided, single submitter. Criteria: GeneDx Variant Classification Process June 2021. Collection method: clinical testing. Allele origin: germline. Affected: yes.
Comment: Reported in a patient with Meniere's disease but did not segregate with disease in family members (PMID: 22934933); In silico analysis indicates that this missense variant does not alter protein structure/function; This variant is associated with the following publications: (PMID: 30461122, 24667783, 22934933, 31941373)

CeGaT Center for Human Genetics Tuebingen
Classification: Uncertain significance. Last evaluated: 2024-01-01. Review status: criteria provided, single submitter. Criteria: CeGaT Center For Human Genetics Tuebingen Variant Classification Criteria Version 2. Collection method: clinical testing. Allele origin: germline. Affected: yes. Observed: 1 variant allele.

Ambry Genetics
Classification: Uncertain significance for Cardiovascular phenotype. Last evaluated: 2023-10-02. Review status: criteria provided, single submitter. Criteria: Ambry Variant Classification Scheme 2023. Collection method: clinical testing. Allele origin: germline.
Comment: The p.V80I variant (also known as c.238G>A), located in coding exon 1 of the KCNE1 gene, results from a G to A substitution at nucleotide position 238. The valine at codon 80 is replaced by isoleucine, an amino acid with highly similar properties. This variant was detected in a long QT syndrome cohort; however, clinical details were not provided (Riur&oacute; H et al. Eur. J. Hum. Genet. 2015;23:79-85). This amino acid position is not well conserved in available vertebrate species. In addition, this alteration is predicted to be tolerated by in silico analysis. Since supporting evidence is limited at this time, the clinical significance of this alteration remains unclear.

Fulgent Genetics
Classification: Uncertain significance for Jervell and Lange-Nielsen syndrome 2; Long QT syndrome 5. Last evaluated: 2021-08-25. Review status: criteria provided, single submitter. Criteria: ACMG Guidelines, 2015. Collection method: clinical testing. Allele origin: unknown.

Laboratory for Molecular Medicine, Mass General Brigham Personalized Medicine
Classification: Uncertain significance. Last evaluated: 2015-11-24. Review status: criteria provided, single submitter. Criteria: LMM Criteria. Collection method: clinical testing. Allele origin: germline. Observed: 2 variant alleles.
Comment: The p.Val80Ile variant in KCNE1 has not been previously reported in individuals with hearing loss or Jervell and Lange-Nielson syndrome, but has been identified in one individual with long QT syndrome (Riuro 2015) and in 4/66620 of African chromosomes by the Exome Aggregation Consortium (ExAC; dbSNP rs769368494). Although this variant has been seen in the general po pulation, its frequency is not high enough to rule out a pathogenic role. Comput ational prediction tools and conservation analyses suggest that the p.Val80Ile v ariant may not impact the protein, though this information is not predictive eno ugh to rule out pathogenicity. In summary, the clinical significance of the p.Va l80Ile variant is uncertain.

Roden Lab, Vanderbilt University Medical Center
No classification provided (evidence only). Condition: Long QT syndrome 5. Review status: no classification provided. Collection method: in vitro. Allele origin: not applicable. Functional consequence: Effect on ion channel function. Not counted in ClinVar's aggregate classification.
ClinVar note: "not provided" was previously submitted as the classification for the variant. However, the classification appeared to be based only on an observation of functional data so it was converted to no classification on 2025-07-30.

Literature cited by the submitters: PubMed 24667783 (cited by 3 submitters); PubMed 39082327 (cited by Labcorp Genetics (formerly Invitae), Labcorp); PubMed 22934933 (cited by Ambry Genetics).